The following continues an entry in ClinVar:

NM_000018.4(ACADVL):c.1376G>A (p.Arg459Gln)

Gene: ACADVL. ClinVar aggregate classification (germline): Pathogenic. Pathogenic (1).

Submissions 9 to 19 of 19:

Foundation for Research in Genetics and Endocrinology, FRIGE's Institute of Human Genetics
Classification: Pathogenic for Very long chain acyl-CoA dehydrogenase deficiency. Last evaluated: 2023-04-14. Review status: criteria provided, single submitter. Criteria: ACMG Guidelines, 2015. Collection method: clinical testing. Allele origin: germline. Inheritance: Autosomal recessive inheritance. Affected: yes. Observed: 1 heterozygote. Not counted in ClinVar's aggregate classification.
Comment: A heterozygous missense variant in exon 14 of the ACADVL gene that results in the amino acid substitution of Glutamine for Arginine at codon 459 (p.Arg459Gln) was detected. The observed variant has previously been reported in patients affected with VLCAD deficiency and functional characterization of patient fibroblasts indicates significant reduction in VLCAD enzymatic activity [PMID: 19327992]. The variant has not been reported in the 1000 genomes database and has a minor allele frequency of 0.003%, 0.002% and 0.003% in the gnomAD (v3.1), gnomdAD (v2), and topmed databases respectively. The in-silico predictions of the variant are probably damaging by PolyPhen-2 (HumDiv), SIFT, LRT and MutationTaster2. The reference codon is conserved across species. In summary, the variant meets our criteria to be classified as pathogenic.

ARUP Laboratories, Molecular Genetics and Genomics, ARUP Laboratories
Classification: Pathogenic for Very long chain acyl-CoA dehydrogenase deficiency. Last evaluated: 2023-01-05. Review status: criteria provided, single submitter. Criteria: ARUP Molecular Germline Variant Investigation Process 2024. Collection method: clinical testing. Allele origin: germline. Not counted in ClinVar's aggregate classification.
Comment: The ACADVL c.1376G>A; p.Arg459Gln variant (rs751995154), also known as p.Arg419Gln in traditional nomenclature, is reported in the literature in individuals with Very Long-Chain Acyl-Coenzyme A Dehydrogenase (VLCAD) deficiency (Laforet 2009, McGoey 2011, Miller 2015, Spiekerkoetter 2003, Waisbren 2013) and has been found in trans to other pathogenic variants (McGoey 2011, Spiekerkoetter 2003). Functional characterization of patient fibroblasts indicates significant reduction in VLCAD enzymatic activity (Laforet 2009). This variant is reported as pathogenic/likely pathogenic by multiple laboratories in ClinVar (Variation ID: 203585), and it is found on only eight chromosomes (8/282800 alleles) in the Genome Aggregation Database. The arginine at residue 459 is highly conserved, and computational analyses predict that this variant is deleterious (REVEL: 0.864). Additional, another variant at the same codon (p.Arg459Trp) has been reported in individuals with VLCAD deficiency and is considered pathogenic (Andresen 1999, Miller 2015). Based on the above information, the p.Arg459Gln variant is considered to be pathogenic. References: Andresen B et al. Clear correlation of genotype with disease phenotype in very-long-chain acyl-CoA dehydrogenase deficiency. Am J Hum Genet. 1999 Feb;64(2):479-94. PMID: 9973285. Laforet P et al. Diagnostic assessment and long-term follow-up of 13 patients with Very Long-Chain Acyl-Coenzyme A dehydrogenase (VLCAD) deficiency. Neuromuscul Disord. 2009; 19(5):324-9. PMID: 19327992 McGoey R et al. Positive newborn screen in a normal infant of a mother with asymptomatic very long-chain Acyl-CoA dehydrogenase deficiency. J Pediatr. 2011; 158(6):1031-2. PMID: 21429517. Miller MJ et al. Recurrent ACADVL molecular findings in individuals with a positive newborn screen for very long chain acyl-coA dehydrogenase (VLCAD) deficiency in the United States. Mol Genet Metab. 2015 Nov;116(3):139-45. PMID: 26385305 Spiekerkoetter U et al. MS/MS-based newborn and family screening detects asymptomatic patients with very-long-chain acyl-CoA dehydrogenase deficiency. J Pediatr. 2003; 143(3):335-42. PMID: 14517516 Waisbren S et al. Neuropsychological outcomes in fatty acid oxidation disorders: 85 cases detected by newborn screening. Dev Disabil Res Rev. 2013; 17(3):260-8. PMID: 23798014.

Ambry Genetics
Classification: Likely pathogenic for Inborn genetic diseases. Last evaluated: 2022-03-24. Review status: criteria provided, single submitter. Criteria: Ambry Variant Classification Scheme 2023. Collection method: clinical testing. Allele origin: germline. Not counted in ClinVar's aggregate classification.
Comment: The c.1376G>A (p.R459Q) alteration is located in exon 14 (coding exon 14) of the ACADVL gene. This alteration results from a G to A substitution at nucleotide position 1376, causing the arginine (R) at amino acid position 459 to be replaced by a glutamine (Q). This alteration has been reported in the compound heterozygous and homozygous states in multiple individuals diagnosed with very long-chain acyl-CoA dehydrogenase deficiency (VLCADD) (Hesse, 2018; Lafor&ecirc;t, 2009; McGoey, 2011; Spiekerkoetter, 2003; Waisbren, 2013). This alteration is predicted to be deleterious by in silico analysis. Based on the available evidence, this alteration is classified as likely pathogenic.

GeneDx
Classification: Pathogenic. Last evaluated: 2021-12-30. Review status: criteria provided, single submitter. Criteria: GeneDx Variant Classification Process June 2021. Collection method: clinical testing. Allele origin: germline. Affected: yes. Not counted in ClinVar's aggregate classification.
Comment: Not observed at a significant frequency in large population cohorts (gnomAD); In silico analysis supports that this missense variant has a deleterious effect on protein structure/function; In silico analysis, which includes splice predictors and evolutionary conservation, suggests this variant may impact gene splicing. In the absence of RNA/functional studies, the actual effect of this sequence change is unknown.; This variant is associated with the following publications: (PMID: 21429517, 25214167, 32710939, 14517516, 26385305, 23798014, 19327992, 31589614, 34106991)

Institute of Human Genetics, University of Leipzig Medical Center
Classification: Pathogenic for Very long chain acyl-CoA dehydrogenase deficiency. Last evaluated: 2020-12-18. Review status: criteria provided, single submitter. Criteria: ACMG Guidelines, 2015. Collection method: clinical testing. Allele origin: inherited. Inheritance: Autosomal recessive inheritance. Affected: yes. Not counted in ClinVar's aggregate classification.
Comment: Criteria applied: PM3_VSTR,PM5_STR,PM2_SUP,PP3

Centre for Mendelian Genomics, University Medical Centre Ljubljana
Classification: Pathogenic for Very long chain acyl-CoA dehydrogenase deficiency. Last evaluated: 2020-04-02. Review status: criteria provided, single submitter. Criteria: ACMG Guidelines, 2015. Collection method: clinical testing. Allele origin: unknown. Affected: yes. Not counted in ClinVar's aggregate classification.
Comment: This variant was classified as: Pathogenic. The following ACMG criteria were applied in classifying this variant: PS3,PS4,PM2,PM3,PP3.

Wong Mito Lab, Molecular and Human Genetics, Baylor College of Medicine
Classification: Pathogenic for Very long chain acyl-CoA dehydrogenase deficiency. Last evaluated: 2019-11-01. Review status: criteria provided, single submitter. Criteria: ACMG Guidelines, 2015. Collection method: clinical testing. Allele origin: germline. Not counted in ClinVar's aggregate classification.
Comment: The NM_000018.3:c.1376G>A (NP_000009.1:p.Arg459Gln) [GRCH38: NC_000017.11:g.7224011G>A] variant in ACADVL gene is interpretated to be Pathogenic based on ACMG guidelines (PMID: 25741868). This variant has been reported in PMID: 14517516. This variant meets the following evidence codes reported in the ACMG guidelines: PS1, PS3

Fulgent Genetics
Classification: Pathogenic for Very long chain acyl-CoA dehydrogenase deficiency. Last evaluated: 2018-10-31. Review status: criteria provided, single submitter. Criteria: ACMG Guidelines, 2015. Collection method: clinical testing. Allele origin: unknown. Not counted in ClinVar's aggregate classification.

Centre for Mendelian Genomics, University Medical Centre Ljubljana
Classification: Likely pathogenic for Myopathy; Rhabdomyolysis. Last evaluated: 2015-01-23. Review status: criteria provided, single submitter. Criteria: ACMG Guidelines, 2015. Collection method: clinical testing. Allele origin: unknown. Affected: yes. Not counted in ClinVar's aggregate classification.

Juno Genomics, Hangzhou Juno Genomics, Inc
Classification: Pathogenic for Very long chain acyl-CoA dehydrogenase deficiency. Review status: criteria provided, single submitter. Criteria: ACMG Guidelines, 2015. Collection method: clinical testing. Allele origin: germline. Affected: yes. Not counted in ClinVar's aggregate classification.
Comment: Absent from controls (or at extremely low frequency if recessive) in Genome Aggregation Database, Exome Sequencing Project, 1000 Genomes Project, or Exome Aggregation Consortium.;For recessive disorders, detected in trans with a pathogenic variant.;Multiple lines of computational evidence support a deleterious effect on the gene or gene product (conservation, evolutionary, splicing impact, etc).;Patient's phenotype or family history is highly specific for a disease with a single genetic etiology.

Counsyl
Classification: Likely pathogenic for Very long chain acyl-CoA dehydrogenase deficiency. Last evaluated: 2016-10-12. Review status: no assertion criteria provided. Collection method: clinical testing. Allele origin: unknown. Not counted in ClinVar's aggregate classification.

Literature cited by the submitters: PubMed 14517516 (cited by 5 submitters); PubMed 19327992 (cited by 3 submitters); PubMed 21429517 (cited by 3 submitters); PubMed 23798014 (cited by 3 submitters); PubMed 30194637 (cited by 3 submitters); PubMed 25214167 (cited by Women's Health and Genetics/Laboratory Corporation of America, LabCorp and Counsyl); PubMed 30904546 (cited by Women's Health and Genetics/Laboratory Corporation of America, LabCorp); PubMed 31589614 (cited by Women's Health and Genetics/Laboratory Corporation of America, LabCorp); PubMed 32710939 (cited by Women's Health and Genetics/Laboratory Corporation of America, LabCorp); PubMed 34106991 (cited by Women's Health and Genetics/Laboratory Corporation of America, LabCorp); PubMed 26385305 (cited by Counsyl).